The following is an entry in ClinVar:

NM_016269.5(LEF1):c.513del (p.Ser172fs)

Gene: LEF1 (lymphoid enhancer binding factor 1; minus strand). Cytogenetic location: 4q25.
Variant type: Deletion.
Coding change: c.513del on transcript NM_016269.5 (MANE Select); coding-DNA position 513, one base deleted (G; older notation c.513delG).
Protein change: p.Ser172fs; shifts the reading frame from serine 172.
Molecular consequence: frameshift variant.
Genome position (GRCh38, 1-based): chr4:108,089,159, C deleted on the plus strand (G on the coding strand, the reverse complement: LEF1 is on the minus strand). VCF-style (leftmost placement, unchanged base first): chr4-108089158-AC-A. GRCh37 (hg19) VCF-style: chr4-109010314-AC-A.
Other names: c.513del, p.Ser172fs (NM_001130713.3, NM_001130714.3); c.309del, p.Ser104fs (NM_001166119.2); short protein forms S104fs, S172fs.
Identifiers: ClinVar variation 3377105 (VCV003377105.2).

ClinVar aggregate classification (germline): Likely pathogenic (1 of 4 stars; one submission).

Conditions:
Ectodermal dysplasia 17 with or without limb malformations. Identifiers: MedGen C6012731, MONDO:0979228, OMIM 621224.

Submission:

Victorian Clinical Genetics Services, Murdoch Childrens Research Institute
Classification: Likely pathogenic for Ectodermal dysplasia 17 with or without limb malformations. Last evaluated: 2025-11-30. Review status: criteria provided, single submitter. Criteria: ACMG Guidelines, 2015. Collection method: clinical testing. Allele origin: germline. Affected: yes.
Comment: This variant is classified as Likely pathogenic. Evidence in support of pathogenic classification: Variant is predicted to cause nonsense-mediated decay (NMD) and loss of protein (premature termination codon is located at least 54 nucleotides upstream of the final exon-exon junction); Variant is absent from gnomAD (both v2 and v3); Other NMD-predicted variants comparable to the one identified in this case have moderate previous evidence for pathogenicity. NMD-predicted variants have been reported in individuals with limb malformations or ectodermal dysplasia (PMIDs: 35583550, 39107921) Additional information: This variant is heterozygous; This gene is associated with autosomal dominant disease. One instance of recessive inheritance has been reported (PMID: 35583550); This variant has no previous evidence of pathogenicity; No published segregation evidence has been identified for this variant; No published functional evidence has been identified for this variant; Loss of function is a suggested mechanism of disease in this gene and is associated with ectodermal dysplasia 17 with or without limb malformations (MIM#621224); Variants in this gene are known to have variable expressivity. Some features of disease such as ectodermal dysplasia and limb malformations have been noted as variable in affected individuals (PMID: 35583550).

Literature cited by the submitters: PubMed 39107921; PubMed 35583550.